The following is an entry in ClinVar:

ClinVar aggregate classification (germline): Conflicting classifications of pathogenicity. Review status: criteria provided, conflicting classifications (1 of 4 stars). 2 submissions from 2 submitters: Likely pathogenic (1); Uncertain significance (1). Last evaluated 2024-02-07.

Conditions:
HCN2 related developmental and epileptic encephalopathy.

Submissions (2):

Department of Genetics, CHU d'Angers
Classification: Likely pathogenic for HCN2 related developmental and epileptic encephalopathy. Last evaluated: 2024-02-07. Review status: criteria provided, single submitter. Criteria: ACMG Guidelines, 2015. Collection method: research. Allele origin: de novo. Affected: yes.

GeneDx
Classification: Uncertain significance. Last evaluated: 2020-02-20. Review status: criteria provided, single submitter. Criteria: GeneDx Variant Classification Process June 2021. Collection method: clinical testing. Allele origin: germline. Affected: yes.
Comment: Not observed in large population cohorts (Lek et al., 2016); In silico analysis supports that this missense variant has a deleterious effect on protein structure/function; Has not been previously published as pathogenic or benign to our knowledge

NM_001194.4(HCN2):c.1106A>G (p.Asn369Ser)

Gene: HCN2 (hyperpolarization activated cyclic nucleotide gated potassium and sodium channel 2; plus strand). Cytogenetic location: 19p13.3.
Variant type: single nucleotide variant.
Coding change: c.1106A>G on transcript NM_001194.4 (MANE Select); coding-DNA position 1106, A replaced by G.
Protein change: p.Asn369Ser; replaces asparagine 369 with serine.
Molecular consequence: missense variant.
Genome position (GRCh38, 1-based): chr19:605,110, A>G. VCF-style: chr19-605110-A-G. GRCh37 (hg19) VCF-style: chr19-605110-A-G.
Other names: short protein forms N369S.
Identifiers: ClinVar variation 1315002 (VCV001315002.3), dbSNP rs2144519137, ClinGen allele CA402876191.